The following is an entry in ClinVar:

ClinVar aggregate classification (germline): Uncertain significance. Review status: criteria provided, multiple submitters, no conflicts (2 of 4 stars). 2 submissions from 2 submitters: Uncertain significance (2). Last evaluated 2022-05-27.

Conditions:
Primary ciliary dyskinesia. Also called: Ciliary dyskinesia. Identifiers: Orphanet 244, MedGen C0008780, MONDO:0016575, HP:0012265.

Allele frequency attached by ClinVar (database versions not stated): gnomAD 0.00001; gnomAD exomes 0.00001; ExAC 0.00003; TOPMed 0.00003; ESP Exome Variant Server 0.00008.
gnomAD v4.1: 14 of 1,599,908 alleles (0.00088%); highest among the groups gnomAD compares: Non-Finnish European, 0.0012%; no homozygotes.

Submissions (2):

Ambry Genetics
Classification: Uncertain significance. Last evaluated: 2022-05-27. Review status: criteria provided, single submitter. Criteria: Ambry Variant Classification Scheme 2023. Collection method: clinical testing. Allele origin: germline.

Labcorp Genetics (formerly Invitae), Labcorp
Classification: Uncertain significance for Primary ciliary dyskinesia. Last evaluated: 2022-04-13. Review status: criteria provided, single submitter. Criteria: Invitae Variant Classification Sherloc (09022015). Collection method: clinical testing. Allele origin: germline.
Comment: In summary, the available evidence is currently insufficient to determine the role of this variant in disease. Therefore, it has been classified as a Variant of Uncertain Significance. Algorithms developed to predict the effect of missense changes on protein structure and function output the following: SIFT: "Deleterious"; PolyPhen-2: "Not Available"; Align-GVGD: "Class C0". The isoleucine amino acid residue is found in multiple mammalian species, which suggests that this missense change does not adversely affect protein function. This variant has not been reported in the literature in individuals affected with DNAH8-related conditions. This variant is present in population databases (rs370607993, gnomAD 0.004%). This sequence change replaces threonine, which is neutral and polar, with isoleucine, which is neutral and non-polar, at codon 1488 of the DNAH8 protein (p.Thr1488Ile).

NM_001206927.2(DNAH8):c.4463C>T (p.Thr1488Ile)

Gene: DNAH8 (dynein axonemal heavy chain 8; plus strand). Cytogenetic location: 6p21.2.
Variant type: single nucleotide variant.
Coding change: c.4463C>T on transcript NM_001206927.2 (MANE Select); coding-DNA position 4463, C replaced by T.
Protein change: p.Thr1488Ile; replaces threonine 1488 with isoleucine.
Molecular consequence: missense variant.
Genome position (GRCh38, 1-based): chr6:38,838,039, C>T. VCF-style: chr6-38838039-C-T. GRCh37 (hg19) VCF-style: chr6-38805815-C-T.
Other names: c.3812C>T, p.Thr1271Ile (NM_001371.4); c.4463C>T (NM_001206927.1); short protein forms T1488I, T1271I.
Identifiers: ClinVar variation 2175190 (VCV002175190.5), dbSNP rs370607993, ClinGen allele CA3789133.